The following is an entry in ClinVar:

ClinVar aggregate classification (germline): Pathogenic/Likely pathogenic. Review status: criteria provided, multiple submitters, no conflicts (2 of 4 stars). 11 submissions from 11 submitters: Pathogenic (7); Likely pathogenic (1). 3 of the submissions do not count toward it. Last evaluated 2025-05-28.

Conditions:
Charcot-Marie-Tooth disease. Also called: Charcot-Marie-Tooth Hereditary Neuropathy; Charcot-Marie-Tooth Neuropathy. Identifiers: Orphanet 166, MedGen C0007959, MONDO:0015626.
Charcot-Marie-Tooth disease recessive intermediate A (CMTRIA). Also called: CHARCOT-MARIE-TOOTH NEUROPATHY, RECESSIVE INTERMEDIATE A. Identifiers: Orphanet 217055, MedGen C1842197, MONDO:0012014, OMIM 608340.
Charcot-Marie-Tooth disease type 4A. Also called: Charcot-Marie-Tooth disease, demyelinating, autosomal recessive, type 4a. Identifiers: Orphanet 99948, MedGen C1859198, MONDO:0008961, OMIM 214400.

Submissions (11):

Variantyx, Inc.
Classification: Pathogenic for Charcot-Marie-Tooth disease type 4A. Last evaluated: 2025-05-28. Review status: criteria provided, single submitter. Criteria: Variantyx Assertion Criteria 2022. Collection method: clinical testing. Allele origin: germline. Inheritance: Autosomal recessive inheritance. Affected: yes.
Comment: This is a frameshift variant in the GDAP1 gene (OMIM: 606598). Pathogenic variants in this gene have been associated with autosomal recessive Charcot-Marie-Tooth disease, type 4A. This variant introduces a premature termination codon in exon 6 out of 6, removing 26.8% of the protein and is expected to result in loss of function, which is a known disease mechanism for GDAP1 in this disorder (PMID: 12499475) (PVS1). This variant has been identified in the homozygous state in two unrelated individuals (PMID: 12499475) (PM3) and is absent from control populations (PM2). Based on the current evidence, this variant is classified as pathogenic for autosomal recessive Charcot-Marie-Tooth disease, type 4A.

Labcorp Genetics (formerly Invitae), Labcorp
Classification: Pathogenic for Charcot-Marie-Tooth disease type 4A. Last evaluated: 2025-01-06. Review status: criteria provided, single submitter. Criteria: Invitae Variant Classification Sherloc (09022015). Collection method: clinical testing. Allele origin: germline.
Comment: This sequence change creates a premature translational stop signal (p.Phe263Leufs*22) in the GDAP1 gene. While this is not anticipated to result in nonsense mediated decay, it is expected to disrupt the last 96 amino acid(s) of the GDAP1 protein. This variant is not present in population databases (gnomAD no frequency). This premature translational stop signal has been observed in individuals with autosomal recessive Charcot-Marie-Tooth disease (PMID: 12499475). ClinVar contains an entry for this variant (Variation ID: 406136). This variant disrupts a region of the GDAP1 protein in which other variant(s) (p.Arg341Glnfs*12) have been determined to be pathogenic (PMID: 25614874). This suggests that this is a clinically significant region of the protein, and that variants that disrupt it are likely to be disease-causing. For these reasons, this variant has been classified as Pathogenic.

Broad Center for Mendelian Genomics, Broad Institute of MIT and Harvard
Classification: Pathogenic for Charcot-Marie-Tooth disease recessive intermediate A. Last evaluated: 2023-05-02. Review status: criteria provided, single submitter. Criteria: ACMG Guidelines, 2015. Collection method: curation. Allele origin: germline. Inheritance: Autosomal recessive inheritance.
Comment: The p.Phe263LeufsTer22 variant in GDAP1 has been previously reported in 9 unrelated individuals with Charcot-Marie-Tooth disease type 4A (PMID: 34476298, PMID: 30373780, PMID: 34169998, PMID: 12499475, ClinVar SCV002059082.1) and segregated with disease in 9 affected relatives from four families (PMID: 12499475, PMID: 34476298). These 9 previously reported unrelated individuals were homozygotes, which increases the likelihood that the p.Phe263LeufsTer22 variant in GDAP1 is pathogenic (PMID: 34476298, PMID: 30373780, PMID: 34169998, PMID: 12499475, ClinVar SCV002059082.1). This variant has also been reported in ClinVar (Variation ID: 406136) and has been interpreted as pathogenic or likely pathogenic by multiple submitters. This variant was absent from large population studies. This variant is predicted to cause a frameshift, which alters the protein‚Äôs amino acid sequence beginning at position 263 and leads to a premature termination codon 22 amino acids downstream. This alteration is then predicted to lead to a truncated or absent protein. This termination codon occurs within the terminal 50 bases of the last exon and is more likely to escape nonsense mediated decay (NMD) and result in a truncated protein. Loss of function of the GDAP1 gene is an established disease mechanism in autosomal recessive Charcot-Marie-Tooth disease type 4A. In summary, this variant meets criteria to be classified as pathogenic for autosomal recessive Charcot-Marie-Tooth disease type 4A. ACMG/AMP Criteria applied: PVS1_Strong, PM2_Supporting, PM3, PP1_Strong (Richards 2015).

3billion
Classification: Pathogenic for Charcot-Marie-Tooth disease recessive intermediate A. Last evaluated: 2022-01-03. Review status: criteria provided, single submitter. Criteria: ACMG Guidelines, 2015. Collection method: clinical testing. Allele origin: germline. Affected: yes. Observed: 1 homozygote.
Comment: Frameshift: predicted to result in a loss or disruption of normal protein function through protein truncation. Multiple pathogenic variants are reported in the predicted truncated region (PVS1_S). The variant has been reported at least twice as pathogenic/likely pathogenic with clinical assertions and evidence for the classification (ClinVar ID: VCV000406136, PMID:12499475). It is not observed in the gnomAD v2.1.1 dataset (PM2_M). Therefore, this variant is classified as pathogenic according to the recommendation of ACMG/AMP guideline.

MGZ Medical Genetics Center
Classification: Pathogenic for Charcot-Marie-Tooth disease type 4A. Last evaluated: 2021-10-21. Review status: criteria provided, single submitter. Criteria: ACMG Guidelines, 2015. Collection method: clinical testing. Allele origin: germline. Affected: yes. Observed: 1 variant allele.
Comment: ACMG criteria applied: PVS1, PM3, PM2_SUP

CMT Laboratory, Bogazici University
Classification: Pathogenic for Charcot-Marie-Tooth disease type 4A. Last evaluated: 2020-12-01. Review status: criteria provided, single submitter. Criteria: ACMG Guidelines, 2015. Collection method: clinical testing. Allele origin: germline. Affected: yes. Observed: 4 variant alleles.

GeneDx
Classification: Likely pathogenic. Last evaluated: 2018-08-23. Review status: criteria provided, single submitter. Criteria: GeneDx Variant Classification (06012015). Collection method: clinical testing. Allele origin: germline. Affected: yes.
Comment: The c.786delG variant in the GDAP1 gene has been reported previously in the homozygous state in multiple affected siblings from two unrelated families segregating an autosomal recessive form of Charcot-Marie-Tooth syndrome; all tested family members who were heterozygous for the c.786delG variant were unaffected (Nelis et al., 2002). The c.786delG variant causes a frameshift starting with codon Phenylalanine 263, changes this amino acid to a Leucine residue, and creates a premature Stop codon at position 22 of the new reading frame, denoted p.Phe263LeufsX22. This variant is predicted to cause loss of normal protein function either through protein truncation or nonsense-mediated mRNA decay. The c.786delG variant was not observed in approximately 6,500 individuals of European and African American ancestry in the NHLBI Exome Sequencing Project, indicating it is not a common benign variant in these populations. We interpret c.786delG as a likely pathogenic variant; however, the possibility it may be a rare benign variant cannot be completely excluded.

CeGaT Center for Human Genetics Tuebingen
Classification: Pathogenic. Last evaluated: 2017-08-01. Review status: criteria provided, single submitter. Criteria: CeGaT Center For Human Genetics Tuebingen Variant Classification Criteria Version 2. Collection method: clinical testing. Allele origin: germline. Affected: yes. Observed: 1 variant allele.

Genesis Genome Database
Classification: Uncertain significance for Charcot-Marie-Tooth disease. Last evaluated: 2019-08-14. Review status: no assertion criteria provided. Collection method: research. Allele origin: germline. Affected: yes. Not counted in ClinVar's aggregate classification.

Inherited Neuropathy Consortium Ii, University Of Miami
Classification: Uncertain significance for Charcot-Marie-Tooth disease type 4A. Last evaluated: 2016-01-06. Review status: no assertion criteria provided. Collection method: literature only. Allele origin: germline. Affected: yes. Not counted in ClinVar's aggregate classification.

Inherited Neuropathy Consortium
Classification: Uncertain significance for Charcot-Marie-Tooth disease. Review status: no assertion criteria provided. Collection method: literature only. Allele origin: germline. Affected: yes. Not counted in ClinVar's aggregate classification.

Literature cited by the submitters: PubMed 12499475 (cited by 5 submitters); PubMed 25614874 (cited by Labcorp Genetics (formerly Invitae), Labcorp); PubMed 31673878 (cited by CMT Laboratory, Bogazici University).

NM_018972.4(GDAP1):c.786del (p.Phe263fs)

Gene: GDAP1 (ganglioside induced differentiation associated protein 1; plus strand). Cytogenetic location: 8q21.11.
Variant type: Deletion.
Coding change: c.786del on transcript NM_018972.4 (MANE Select); coding-DNA position 786, one base deleted (G; older notation c.786delG).
Protein change: p.Phe263fs; shifts the reading frame from phenylalanine 263.
Molecular consequence: frameshift variant. On other transcripts: intron variant (1).
Genome position (GRCh38, 1-based): chr8:74,364,076, G deleted; the last of 4 consecutive G bases (chr8:74,364,073-74,364,076); deleting any one gives the same sequence. VCF-style (leftmost placement, unchanged base first): chr8-74364072-TG-T. GRCh37 (hg19) VCF-style: chr8-75276307-TG-T.
Other names: NM_018972.4(GDAP1):c.786del; p.Phe263fs; c.582del, p.Phe195fs (NM_001040875.4); c.459del, p.Phe154fs (NM_001362929.2, NM_001362932.2); c.612del, p.Phe205fs (NM_001362930.2); c.694+1023del (NM_001362931.2); c.786_786delG (NM_018972.2); short protein forms F195fs, F263fs, F154fs, F205fs.
Identifiers: ClinVar variation 406136 (VCV000406136.59), dbSNP rs1060500978, ClinGen allele CA16612462.